The following is an entry in ClinVar:

ClinVar aggregate classification (germline): Likely benign. Review status: criteria provided, multiple submitters, no conflicts (2 of 4 stars). 4 submissions from 4 submitters: Likely benign (4). Last evaluated 2026-03-31.

Allele frequency attached by ClinVar (database versions not stated): TOPMed below 0.00001; ExAC 0.00001; gnomAD 0.00001; gnomAD exomes 0.00001.
gnomAD v4.1: 12 of 1,611,340 alleles (0.00074%); highest among the groups gnomAD compares: East Asian, 0.0022%; no homozygotes.

Submissions (4):

Women's Health and Genetics/Laboratory Corporation of America, LabCorp
Classification: Likely benign. Last evaluated: 2026-03-31. Review status: criteria provided, single submitter. Criteria: LabCorp Variant Classification Summary - May 2015. Collection method: clinical testing. Allele origin: germline.

CeGaT Center for Human Genetics Tuebingen
Classification: Likely benign. Last evaluated: 2026-03-01. Review status: criteria provided, single submitter. Criteria: CeGaT Center For Human Genetics Tuebingen Variant Classification Criteria Version 2. Collection method: clinical testing. Allele origin: germline. Affected: yes. Observed: 2 variant alleles.
Comment: SOX10: BP4, BP7

Labcorp Genetics (formerly Invitae), Labcorp
Classification: Likely benign. Last evaluated: 2025-04-17. Review status: criteria provided, single submitter. Criteria: Invitae Variant Classification Sherloc (09022015). Collection method: clinical testing. Allele origin: germline.

Blueprint Genetics
Classification: Likely benign. Last evaluated: 2024-07-17. Review status: criteria provided, single submitter. Criteria: ACMG Guidelines, 2015. Collection method: clinical testing. Allele origin: germline.

NM_006941.4(SOX10):c.684C>T (p.Pro228=)

Genes: POLR2F (RNA polymerase II, I and III subunit F; plus strand), SOX10 (SRY-box transcription factor 10; minus strand). Cytogenetic location: 22q13.1.
Variant type: single nucleotide variant.
Coding change: c.684C>T on transcript NM_006941.4 (MANE Select); coding-DNA position 684, C replaced by T.
Protein change: p.Pro228=; no amino-acid change (proline 228 retained).
Molecular consequence: synonymous variant. On other transcripts: intron variant (3).
Genome position (GRCh38, 1-based): chr22:37,977,880, G>A on the plus strand (C>T on the coding strand, the complement: SOX10 is on the minus strand). VCF-style: chr22-37977880-G-A. GRCh37 (hg19) VCF-style: chr22-38373887-G-A.
Other names: c.*38+5570G>A (NM_001363825.1); c.294-8274G>A (NM_001301130.2); c.293+10710G>A (NM_001301131.2).
Identifiers: ClinVar variation 2653130 (VCV002653130.26), dbSNP rs752963435, ClinGen allele CA10228629.